The following is an entry in ClinVar:

NM_006268.5(DPF2):c.1036G>C (p.Asp346His)

Gene: DPF2 (double PHD fingers 2; plus strand). Cytogenetic location: 11q13.1.
Variant type: single nucleotide variant.
Coding change: c.1036G>C on transcript NM_006268.5 (MANE Select); coding-DNA position 1036, G replaced by C.
Protein change: p.Asp346His; replaces aspartic acid 346 with histidine.
Molecular consequence: missense variant.
Genome position (GRCh38, 1-based): chr11:65,348,868, G>C. VCF-style: chr11-65348868-G-C. GRCh37 (hg19) VCF-style: chr11-65116339-G-C.
Other names: c.1078G>C, p.Asp360His (NM_001330308.2); short protein forms D346H, D360H.
Identifiers: ClinVar variation 4870080 (VCV004870080.1).

ClinVar aggregate classification (germline): Likely pathogenic (1 of 4 stars; one submission).

Conditions:
Inborn genetic diseases. Identifiers: MedGen C0950123, MeSH D030342.

Submission:

Ambry Genetics
Classification: Likely pathogenic for Inborn genetic diseases. Last evaluated: 2026-05-22. Review status: criteria provided, single submitter. Criteria: Ambry Variant Classification Scheme 2023. Collection method: clinical testing. Allele origin: germline.
Comment: The c.1036G>C (p.D346H) alteration is located in exon 10 (coding exon 10) of the DPF2 gene. This alteration results from a G to C substitution at nucleotide position 1036, causing the aspartic acid (D) at amino acid position 346 to be replaced by a histidine (H). This variant was not reported in population-based cohorts in the Genome Aggregation Database (gnomAD). Another variant at the same codon, c.1037A>G, (p.D346G) has been identified in individual(s) with features consistent with DPF2-related Coffin-Siris syndrome (Vasileiou, 2018). This amino acid position is highly conserved in available vertebrate species. This missense variant is located in a region that has a low rate of benign missense variation (Lek, 2016; Firth, 2009). This alteration is predicted to be deleterious by in silico analysis. Based on the available evidence, this alteration is classified as likely pathogenic.

Literature cited by the submitters: PubMed 29429572.